The following is an entry in ClinVar:

NM_002098.6(GUCA1B):c.205_206delinsAA (p.Gly69Lys)

Gene: GUCA1B (guanylate cyclase activator 1B; minus strand). Cytogenetic location: 6p21.1.
Variant type: Indel.
Coding change: c.205_206delinsAA on transcript NM_002098.6 (MANE Select); coding-DNA positions 205 to 206, GG replaced by AA.
Protein change: p.Gly69Lys; replaces glycine 69 with lysine.
Molecular consequence: missense variant.
Genome position (GRCh38, 1-based): chr6:42,194,615-42,194,616, CC replaced by TT on the plus strand (GG replaced by AA on the coding strand, the reverse complement: GUCA1B is on the minus strand). VCF-style: chr6-42194615-CC-TT. GRCh37 (hg19) VCF-style: chr6-42162353-CC-TT.
Other names: short protein forms G69K.
Identifiers: ClinVar variation 2797980 (VCV002797980.3), dbSNP rs2546730339, ClinGen allele CA2739273037.

ClinVar aggregate classification (germline): Uncertain significance (1 of 4 stars; one submission).

Submission:

Labcorp Genetics (formerly Invitae), Labcorp
Classification: Uncertain significance. Last evaluated: 2022-12-23. Review status: criteria provided, single submitter. Criteria: Invitae Variant Classification Sherloc (09022015). Collection method: clinical testing. Allele origin: germline.
Comment: In summary, the available evidence is currently insufficient to determine the role of this variant in disease. Therefore, it has been classified as a Variant of Uncertain Significance. Algorithms developed to predict the effect of missense changes on protein structure and function are either unavailable or do not agree on the potential impact of this missense change (SIFT: "Not Available"; PolyPhen-2: "Possibly Damaging"; Align-GVGD: "Not Available"). This variant has not been reported in the literature in individuals affected with GUCA1B-related conditions. The frequency data for this variant in the population databases is considered unreliable, as metrics indicate poor data quality at this position in the gnomAD database. This sequence change replaces glycine, which is neutral and non-polar, with lysine, which is basic and polar, at codon 69 of the GUCA1B protein (p.Gly69Lys).